The following is an entry in ClinVar:

ClinVar aggregate classification (germline): Benign/Likely benign. Review status: criteria provided, multiple submitters, no conflicts (2 of 4 stars). 5 submissions from 5 submitters: Benign (2); Likely benign (3). Last evaluated 2026-01-24.

Conditions:
FLNB-Related Spectrum Disorders.
Connective tissue disorder. Also called: Connective tissue disease. Identifiers: MedGen C0009782, MONDO:0003900.

Allele frequency attached by ClinVar (database versions not stated): gnomAD 0.00017 and 0.00076; TOPMed 0.00036; ESP Exome Variant Server 0.00054; 1000 Genomes Project 30x 0.00359; 1000 Genomes Project 0.00419.
gnomAD v4.1: 1,853 of 1,614,164 alleles (0.11%); highest among the groups gnomAD compares: South Asian, 1.6%; 33 homozygotes.

Submissions (5):

Labcorp Genetics (formerly Invitae), Labcorp
Classification: Benign. Last evaluated: 2026-01-24. Review status: criteria provided, single submitter. Criteria: Invitae Variant Classification Sherloc (09022015). Collection method: clinical testing. Allele origin: germline.

ARUP Laboratories, Molecular Genetics and Genomics, ARUP Laboratories
Classification: Benign. Last evaluated: 2023-11-11. Review status: criteria provided, single submitter. Criteria: ARUP Molecular Germline Variant Investigation Process 2024. Collection method: clinical testing. Allele origin: germline.

Genome Diagnostics Laboratory, The Hospital for Sick Children
Classification: Likely benign for Connective tissue disorder. Last evaluated: 2020-02-01. Review status: criteria provided, single submitter. Criteria: ACMG Guidelines, 2015. Collection method: clinical testing. Allele origin: germline.

Illumina Laboratory Services, Illumina
Classification: Likely benign for FLNB-Related Spectrum Disorders. Last evaluated: 2018-01-12. Review status: criteria provided, single submitter. Criteria: ICSL Variant Classification Criteria 13 December 2019. Collection method: clinical testing. Allele origin: germline.
Comment: This variant was observed in the ICSL laboratory as part of a predisposition screen in an ostensibly healthy population. It had not been previously curated by ICSL or reported in the Human Gene Mutation Database (HGMD: prior to June 1st, 2018), and was therefore a candidate for classification through an automated scoring system. Utilizing variant allele frequency, disease prevalence and penetrance estimates, and inheritance mode, an automated score was calculated to assess if this variant is too frequent to cause the disease. Based on the score and internal cut-off values, a variant classified as likely benign is not then subjected to further curation. The score for this variant resulted in a classification of likely benign for this disease.

Breakthrough Genomics
Classification: Likely benign. Review status: criteria provided, single submitter. Criteria: ACMG Guidelines, 2015. Collection method: not provided. Allele origin: germline. Inheritance: Autosomal recessive inheritance. Affected: yes.

NM_001457.4(FLNB):c.5785G>A (p.Asp1929Asn)

Gene: FLNB (filamin B; plus strand). Cytogenetic location: 3p14.3.
Variant type: single nucleotide variant.
Coding change: c.5785G>A on transcript NM_001457.4 (MANE Select); coding-DNA position 5785, G replaced by A.
Protein change: p.Asp1929Asn; replaces aspartic acid 1929 with asparagine.
Molecular consequence: missense variant.
Genome position (GRCh38, 1-based): chr3:58,148,262, G>A. VCF-style: chr3-58148262-G-A. GRCh37 (hg19) VCF-style: chr3-58133989-G-A.
Other names: c.5878G>A, p.Asp1960Asn (NM_001164317.2); c.5752G>A, p.Asp1918Asn (NM_001164318.2); c.5713G>A, p.Asp1905Asn (NM_001164319.2); short protein forms D1918N, D1929N, D1960N, D1905N.
Identifiers: ClinVar variation 790823 (VCV000790823.25), dbSNP rs146685642, ClinGen allele CA2469156.
Genomic context (GRCh38, chr3:58,148,262, plus strand): 5'-CCAGATGACAGCAGGCGGTGCTCCCAGGTGAAGTTGGGCTCAGCCGCTGACTTCCTGCTC[G>A]ACATCAGTGAGACTGACCTCAGCAGCCTGACGGCCAGCATTAAGGCCCCATCTGGCCGAG-3'
Protein context (NP_001448.2, residues 1919-1939): KLGSAADFLL[Asp1929Asn]ISETDLSSLT